The following is an entry in ClinVar:

ClinVar aggregate classification (germline): Uncertain significance. Review status: criteria provided, multiple submitters, no conflicts (2 of 4 stars). 4 submissions from 4 submitters: Uncertain significance (4). Last evaluated 2026-02-16.

Conditions:
Cardiovascular phenotype. Identifiers: MedGen CN230736.

Allele frequency attached by ClinVar (database versions not stated): gnomAD exomes 0.00003 and 0.00013; TOPMed 0.00005; gnomAD 0.00006.
gnomAD v4.1: 192 of 1,549,180 alleles (0.012%); highest among the groups gnomAD compares: Non-Finnish European, 0.016%; no homozygotes.

Submissions (4):

Women's Health and Genetics/Laboratory Corporation of America, LabCorp
Classification: Uncertain significance. Last evaluated: 2026-02-16. Review status: criteria provided, single submitter. Criteria: LabCorp Variant Classification Summary - May 2015. Collection method: clinical testing. Allele origin: germline.
Comment: Variant summary: ZNF469 c.4919C>T (p.Ala1640Val) results in a non-conservative amino acid change in the encoded protein sequence. Algorithms developed to predict the effect of missense changes on protein structure and function are either unavailable or do not agree on the potential impact of this missense change. The variant allele was found at a frequency of 0.00012 in 1542254 control chromosomes in the gnomAD database (v4.1 dataset). This frequency is not higher than the maximum estimated for disease-causing variants in ZNF469, allowing no conclusion about variant significance. To our knowledge, no occurrence of c.4919C>T in individuals affected with ZNF469-related conditions and no experimental evidence demonstrating its impact on protein function have been reported. ClinVar contains an entry for this variant (Variation ID: 1254137). Based on the evidence outlined above, the variant was classified as uncertain significance.

GeneDx
Classification: Uncertain significance. Last evaluated: 2024-07-01. Review status: criteria provided, single submitter. Criteria: GeneDx Variant Classification Process June 2021. Collection method: clinical testing. Allele origin: germline. Affected: yes.
Comment: Has not been previously published as pathogenic or benign to our knowledge; In silico analysis indicates that this missense variant does not alter protein structure/function

Ambry Genetics
Classification: Uncertain significance for Cardiovascular phenotype. Last evaluated: 2023-02-16. Review status: criteria provided, single submitter. Criteria: Ambry Variant Classification Scheme 2023. Collection method: clinical testing. Allele origin: germline.

Labcorp Genetics (formerly Invitae), Labcorp
Classification: Uncertain significance. Last evaluated: 2022-05-25. Review status: criteria provided, single submitter. Criteria: Invitae Variant Classification Sherloc (09022015). Collection method: clinical testing. Allele origin: germline.
Comment: This sequence change replaces alanine, which is neutral and non-polar, with valine, which is neutral and non-polar, at codon 1612 of the ZNF469 protein (p.Ala1612Val). The frequency data for this variant in the population databases is considered unreliable, as metrics indicate poor data quality at this position in the gnomAD database. This variant has not been reported in the literature in individuals affected with ZNF469-related conditions. ClinVar contains an entry for this variant (Variation ID: 1254137). Algorithms developed to predict the effect of missense changes on protein structure and function output the following: SIFT: "Tolerated"; PolyPhen-2: "Benign"; Align-GVGD: "Class C0". The valine amino acid residue is found in multiple mammalian species, which suggests that this missense change does not adversely affect protein function. In summary, the available evidence is currently insufficient to determine the role of this variant in disease. Therefore, it has been classified as a Variant of Uncertain Significance.

NM_001367624.2(ZNF469):c.4919C>T (p.Ala1640Val)

Gene: ZNF469 (zinc finger protein 469; plus strand). Cytogenetic location: 16q24.2.
Variant type: single nucleotide variant.
Coding change: c.4919C>T on transcript NM_001367624.2 (MANE Select); coding-DNA position 4919, C replaced by T.
Protein change: p.Ala1640Val; replaces alanine 1640 with valine.
Molecular consequence: missense variant.
Genome position (GRCh38, 1-based): chr16:88,432,389, C>T. VCF-style: chr16-88432389-C-T. GRCh37 (hg19) VCF-style: chr16-88498797-C-T.
Other names: NM_001127464.1:c.4835C>T; short protein forms A1640V.
Identifiers: ClinVar variation 1254137 (VCV001254137.9), dbSNP rs867915419, ClinGen allele CA286376754.